The following is an entry in ClinVar:

NM_033380.3(COL4A5):c.2885C>A (p.Ser962Ter)

Gene: COL4A5 (collagen type IV alpha 5 chain; plus strand). Cytogenetic location: Xq22.3.
Variant type: single nucleotide variant.
Coding change: c.2885C>A on transcript NM_033380.3 (MANE Select); coding-DNA position 2885, C replaced by A.
Protein change: p.Ser962Ter; replaces serine 962 with a stop codon.
Molecular consequence: nonsense.
Genome position (GRCh38, 1-based): chrX:108,622,793, C>A. VCF-style: chrX-108622793-C-A. GRCh37 (hg19) VCF-style: chrX-107866023-C-A.
Other names: c.2885C>A, p.Ser962Ter (NM_000495.5); short protein forms S962*.
Identifiers: ClinVar variation 3601982 (VCV003601982.1).

ClinVar aggregate classification (germline): Pathogenic (1 of 4 stars; one submission).

Conditions:
X-linked Alport syndrome (ATS1). Also called: NEPHROPATHY AND DEAFNESS, X-LINKED; COL4A5-Related Nephropathy. Identifiers: Orphanet 63, Orphanet 88917, MedGen C4746986, MONDO:0010520, OMIM 301050.

Submission:

MVZ Medizinische Genetik Mainz
Classification: Pathogenic for X-linked Alport syndrome. Last evaluated: 2024-12-11. Review status: criteria provided, single submitter. Criteria: UK Practice Guidelines For Variant Classification V4 01 2020. Collection method: clinical testing. Allele origin: germline. Inheritance: Unknown mechanism. Affected: yes. Observed: 1 variant allele.
Comment: ACMG Criteria: PVS1,PM2_SUP,PP4